The following is an entry in ClinVar:

ClinVar aggregate classification (germline): Uncertain significance (0 of 4 stars; one submission).

Conditions:
ADNP-related disorder. Also called: ADNP-related condition.

Submission:

PreventionGenetics, part of Exact Sciences
Classification: Uncertain significance for ADNP-related condition. Last evaluated: 2023-12-21. Review status: no assertion criteria provided. Collection method: clinical testing. Allele origin: germline.
Comment: The ADNP c.2872G>C variant is predicted to result in the amino acid substitution p.Asp958His. To our knowledge, this variant has not been reported in the literature or in a large population database, indicating this variant is rare. At this time, the clinical significance of this variant is uncertain due to the absence of conclusive functional and genetic evidence.

NM_001282531.3(ADNP):c.2872G>C (p.Asp958His)

Gene: ADNP (activity dependent neuroprotector homeobox; minus strand). Cytogenetic location: 20q13.13.
Variant type: single nucleotide variant.
Coding change: c.2872G>C on transcript NM_001282531.3 (MANE Select); coding-DNA position 2872, G replaced by C.
Protein change: p.Asp958His; replaces aspartic acid 958 with histidine.
Molecular consequence: missense variant.
Genome position (GRCh38, 1-based): chr20:50,891,842, C>G on the plus strand (G>C on the coding strand, the complement: ADNP is on the minus strand). VCF-style: chr20-50891842-C-G. GRCh37 (hg19) VCF-style: chr20-49508379-C-G.
Other names: c.2872G>C, p.Asp958His (NM_001282532.2, NM_001347511.2, NM_015339.5 and 1 more transcripts); short protein forms D958H.
Identifiers: ClinVar variation 3031589 (VCV003031589.2), dbSNP rs1375674457, ClinGen allele CA408967610.